The following is an entry in ClinVar:

NM_004385.5(VCAN):c.5899A>G (p.Thr1967Ala)

Genes: VCAN-AS1 (VCAN antisense RNA 1; minus strand), VCAN (versican; plus strand). Cytogenetic location: 5q14.3.
Variant type: single nucleotide variant.
Coding change: c.5899A>G on transcript NM_004385.5 (MANE Select); coding-DNA position 5899, A replaced by G.
Protein change: p.Thr1967Ala; replaces threonine 1967 with alanine.
Molecular consequence: missense variant. On other transcripts: intron variant (2).
Genome position (GRCh38, 1-based): chr5:83,538,902, A>G. VCF-style: chr5-83538902-A-G. GRCh37 (hg19) VCF-style: chr5-82834721-A-G.
Other names: c.2938A>G, p.Thr980Ala (NM_001164097.2); c.4004-6635A>G (NM_001164098.2); c.1043-6635A>G (NM_001126336.3); short protein forms T980A, T1967A.
Identifiers: ClinVar variation 4721550 (VCV004721550.1).

ClinVar aggregate classification (germline): Uncertain significance (1 of 4 stars; one submission).

gnomAD v4.1: 2 of 1,613,860 alleles (0.00012%); highest among the groups gnomAD compares: African/African-American, 0.0027%; no homozygotes.

Submission:

Labcorp Genetics (formerly Invitae), Labcorp
Classification: Uncertain significance. Last evaluated: 2025-07-19. Review status: criteria provided, single submitter. Criteria: Invitae Variant Classification Sherloc (09022015). Collection method: clinical testing. Allele origin: germline.
Comment: This sequence change replaces threonine, which is neutral and polar, with alanine, which is neutral and non-polar, at codon 1967 of the VCAN protein (p.Thr1967Ala). This variant is present in population databases (no rsID available, gnomAD 0.02%). This variant has not been reported in the literature in individuals affected with VCAN-related conditions. An algorithm developed to predict the effect of missense changes on protein structure and function outputs the following: PolyPhen-2: "Benign". The alanine amino acid residue is found in multiple mammalian species, which suggests that this missense change does not adversely affect protein function. In summary, the available evidence is currently insufficient to determine the role of this variant in disease. Therefore, it has been classified as a Variant of Uncertain Significance.